The following is an entry in ClinVar:

NM_002485.5(NBN):c.292A>C (p.Thr98Pro)

Gene: NBN (nibrin; minus strand). Cytogenetic location: 8q21.3.
Variant type: single nucleotide variant.
Coding change: c.292A>C on transcript NM_002485.5 (MANE Select); coding-DNA position 292, A replaced by C.
Protein change: p.Thr98Pro; replaces threonine 98 with proline.
Molecular consequence: missense variant.
Genome position (GRCh38, 1-based): chr8:89,981,403, T>G on the plus strand (A>C on the coding strand, the complement: NBN is on the minus strand). VCF-style: chr8-89981403-T-G. GRCh37 (hg19) VCF-style: chr8-90993631-T-G.
Other names: c.46A>C, p.Thr16Pro (NM_001024688.3); short protein forms T98P, T16P.
Identifiers: ClinVar variation 411740 (VCV000411740.14), dbSNP rs1060503453, ClinGen allele CA16612676.

ClinVar aggregate classification (germline): Uncertain significance. Review status: criteria provided, multiple submitters, no conflicts (2 of 4 stars). 2 submissions from 2 submitters: Uncertain significance (2). Last evaluated 2022-03-03.

Conditions:
Hereditary cancer-predisposing syndrome. Also called: Hereditary neoplastic syndrome; Neoplastic Syndromes, Hereditary; Tumor predisposition; Hereditary Cancer Syndrome. Identifiers: Orphanet 140162, MedGen C0027672, MeSH D009386, MONDO:0015356.
Microcephaly, normal intelligence and immunodeficiency (NBS). Also called: IMMUNODEFICIENCY, MICROCEPHALY, AND CHROMOSOMAL INSTABILITY; SEEMANOVA SYNDROME II; Immunodeficiency, microcephaly with normal intelligence; Ataxia telangiectasia variant V1; Nijmegen breakage syndrome; Microcephaly with normal intelligence immunodeficiency and lymphoreticular malignancies. Identifiers: Orphanet 647, MedGen C0398791, MONDO:0009623, OMIM 251260.

Submissions (2):

Labcorp Genetics (formerly Invitae), Labcorp
Classification: Uncertain significance for Microcephaly, normal intelligence and immunodeficiency. Last evaluated: 2022-03-03. Review status: criteria provided, single submitter. Criteria: Invitae Variant Classification Sherloc (09022015). Collection method: clinical testing. Allele origin: germline.
Comment: This sequence change replaces threonine, which is neutral and polar, with proline, which is neutral and non-polar, at codon 98 of the NBN protein (p.Thr98Pro). This variant is not present in population databases (gnomAD no frequency). This variant has not been reported in the literature in individuals affected with NBN-related conditions. ClinVar contains an entry for this variant (Variation ID: 411740). Algorithms developed to predict the effect of missense changes on protein structure and function are either unavailable or do not agree on the potential impact of this missense change (SIFT: "Tolerated"; PolyPhen-2: "Probably Damaging"; Align-GVGD: "Class C0"). In summary, the available evidence is currently insufficient to determine the role of this variant in disease. Therefore, it has been classified as a Variant of Uncertain Significance.

Ambry Genetics
Classification: Uncertain significance for Hereditary cancer-predisposing syndrome. Last evaluated: 2017-09-29. Review status: criteria provided, single submitter. Criteria: Ambry Variant Classification Scheme 2023. Collection method: clinical testing. Allele origin: germline.
Comment: The p.T98P variant (also known as c.292A>C), located in coding exon 3 of the NBN gene, results from an A to C substitution at nucleotide position 292. The threonine at codon 98 is replaced by proline, an amino acid with highly similar properties. This amino acid position is well conserved in available vertebrate species. In addition, this alteration is predicted to be deleterious by in silico analysis. Since supporting evidence is limited at this time, the clinical significance of this alteration remains unclear.